The following is an entry in ClinVar:

NM_000153.4(GALC):c.1151T>C (p.Ile384Thr)

Gene: GALC (galactosylceramidase; minus strand). Cytogenetic location: 14q31.3.
Variant type: single nucleotide variant.
Coding change: c.1151T>C on transcript NM_000153.4 (MANE Select); coding-DNA position 1151, T replaced by C.
Protein change: p.Ile384Thr; replaces isoleucine 384 with threonine.
Molecular consequence: missense variant.
Genome position (GRCh38, 1-based): chr14:87,963,394, A>G on the plus strand (T>C on the coding strand, the complement: GALC is on the minus strand). VCF-style: chr14-87963394-A-G. GRCh37 (hg19) VCF-style: chr14-88429738-A-G.
Other names: c.1082T>C, p.Ile361Thr (NM_001201401.2); c.1073T>C, p.Ile358Thr (NM_001201402.2); c.1151T>C (NM_000153.3); short protein forms I358T, I361T, I384T.
Identifiers: ClinVar variation 2137612 (VCV002137612.9), dbSNP rs1376496659, ClinGen allele CA390747138.

ClinVar aggregate classification (germline): Conflicting classifications of pathogenicity. Review status: criteria provided, conflicting classifications (1 of 4 stars). 4 submissions from 4 submitters: Pathogenic (1); Likely pathogenic (1); Uncertain significance (2). Last evaluated 2025-12-22.

Conditions:
Galactosylceramide beta-galactosidase deficiency. Also called: Krabbe Disease; GALACTOCEREBROSIDASE DEFICIENCY; GALC DEFICIENCY; GLOBOID CELL LEUKOENCEPHALOPATHY; Leukodystrophy, Globoid Cell. Identifiers: Orphanet 487, MedGen C0023521, MONDO:0009499, OMIM 245200.

Allele frequency attached by ClinVar (database versions not stated): TOPMed below 0.00001; gnomAD exomes 0.00001.
gnomAD v4.1: 12 of 1,613,352 alleles (0.00074%); highest among the groups gnomAD compares: African/African-American, 0.0013%; no homozygotes.

Submissions (4):

Myriad Genetics, Inc.
Classification: Uncertain significance for Galactosylceramide beta-galactosidase deficiency. Last evaluated: 2025-12-22. Review status: criteria provided, single submitter. Criteria: Myriad Autosomal Dominant, Autosomal Recessive and X-Linked Classification Criteria (2023). Collection method: clinical testing. Allele origin: unknown.
Comment: NM_000153.3(GALC):c.1151T>C(I384T) is a missense variant classified as a variant of uncertain significance in the context of Krabbe disease. I384T has been observed in cases with relevant disease (PMID: 20886637, 30729410, 40391866, Burlina_2024_(Abstract), Warshawsky_2007_(Abstract)). Relevant functional assessments of this variant are available in the literature (PMID: 40449593). I384T has been observed in referenced population frequency databases. In summary, there is insufficient evidence to classify NM_000153.3(GALC):c.1151T>C(I384T) as pathogenic or benign. Please note: this variant was assessed in the context of healthy population screening.

Women's Health and Genetics/Laboratory Corporation of America, LabCorp
Classification: Likely pathogenic for Galactosylceramide beta-galactosidase deficiency. Last evaluated: 2025-09-25. Review status: criteria provided, single submitter. Criteria: LabCorp Variant Classification Summary - May 2015. Collection method: clinical testing. Allele origin: germline.
Comment: Variant summary: GALC c.1151T>C (p.Ile384Thr) results in a non-conservative amino acid change located in the Glycosyl hydrolase family 59, central domain of the encoded protein sequence. Algorithms developed to predict the effect of missense changes on protein structure and function all suggest that this variant is likely to be disruptive. The variant allele was found at a frequency of 4e-06 in 249034 control chromosomes. c.1151T>C has been observed in individual(s) affected with Krabbe Disease (Tappino_2010, Nicita_2019). The variant was also reported from a newborn screening in an infant with low GALC activity referred for diagnostic testing, without second allele reported (Orsini_2016). These data indicate that the variant may be associated with disease. To our knowledge, no experimental evidence demonstrating an impact on protein function has been reported. The following publications have been ascertained in the context of this evaluation (PMID: 30729410, 26795590, 31350907, 20886637). ClinVar contains an entry for this variant (Variation ID: 2137612). Based on the evidence outlined above, the variant was classified as likely pathogenic.

GeneDx
Classification: Uncertain significance. Last evaluated: 2025-04-04. Review status: criteria provided, single submitter. Criteria: GeneDx Variant Classification Process June 2021. Collection method: clinical testing. Allele origin: germline. Affected: yes.
Comment: Observed with additional variants in GALC in unrelated patients with late-onset Krabbe disease; comprehensive genetic analysis was not performed in these individuals (PMID: 20886637, 30729410); Also known as p.(I368T); In silico analysis supports that this missense variant has a deleterious effect on protein structure/function; Not observed at significant frequency in large population cohorts (gnomAD); This variant is associated with the following publications: (PMID: 26795590, 30729410, 20886637, Peng2024[preprint])

Labcorp Genetics (formerly Invitae), Labcorp
Classification: Pathogenic for Galactosylceramide beta-galactosidase deficiency. Last evaluated: 2023-11-15. Review status: criteria provided, single submitter. Criteria: Invitae Variant Classification Sherloc (09022015). Collection method: clinical testing. Allele origin: germline.
Comment: This sequence change replaces isoleucine, which is neutral and non-polar, with threonine, which is neutral and polar, at codon 384 of the GALC protein (p.Ile384Thr). This variant is present in population databases (no rsID available, gnomAD 0.007%). This missense change has been observed in individual(s) with Krabbe disease (PMID: 20886637, 30729410). In at least one individual the data is consistent with being in trans (on the opposite chromosome) from a pathogenic variant. ClinVar contains an entry for this variant (Variation ID: 2137612). Advanced modeling of protein sequence and biophysical properties (such as structural, functional, and spatial information, amino acid conservation, physicochemical variation, residue mobility, and thermodynamic stability) performed at Invitae indicates that this missense variant is expected to disrupt GALC protein function with a positive predictive value of 80%. For these reasons, this variant has been classified as Pathogenic.

Literature cited by the submitters: PubMed 40449593 (cited by Myriad Genetics, Inc.); PubMed 20886637 (cited by Women's Health and Genetics/Laboratory Corporation of America, LabCorp and Labcorp Genetics (formerly Invitae), Labcorp); PubMed 26795590 (cited by Women's Health and Genetics/Laboratory Corporation of America, LabCorp); PubMed 31350907 (cited by Women's Health and Genetics/Laboratory Corporation of America, LabCorp); PubMed 30729410 (cited by Women's Health and Genetics/Laboratory Corporation of America, LabCorp and Labcorp Genetics (formerly Invitae), Labcorp).